The following is an entry in ClinVar:

ClinVar aggregate classification (germline): Conflicting classifications of pathogenicity. Review status: criteria provided, conflicting classifications (1 of 4 stars). 2 submissions from 2 submitters: Likely pathogenic (1); Uncertain significance (1). Last evaluated 2025-07-06.

Conditions:
Neurodevelopmental disorder with dysmorphic facies and ischiopubic hypoplasia (NEDFIH). Identifiers: MedGen C5774298, MONDO:0859361, OMIM 620210.

Submissions (2):

Molecular Genetics and NGS Laboratory, Hospital Fundacion Valle Del Lili
Classification: Uncertain significance for Neurodevelopmental disorder with dysmorphic facies and ischiopubic hypoplasia. Last evaluated: 2025-07-06. Review status: criteria provided, single submitter. Criteria: ACMG Guidelines, 2015. Collection method: clinical testing. Allele origin: biparental. Inheritance: Autosomal recessive inheritance. Affected: yes. Observed: 1 homozygote.
Comment: This variant was classified as pathogenic according to the American College of Medical Genetics and Genomics (ACMG) guidelines, based on the following criteria: - PM2 (absent or extremely rare in large population databases). AlphaMissense = 0.979 is between 0.956 and 0.994 ⇒ moderate pathogenic. - PP3 (multiple lines of computational evidence support a deleterious effect on the gene or gene product) Variant not found in gnomAD genomes, good gnomAD genomes coverage = 29.6 Variant not found in gnomAD exomes, good gnomAD exomes coverage = 37.7. - PP4 (patient’s phenotype or family history highly specific for a disease with a single genetic etiology).

Laboratorio De Medicina Genomica, Universidad Icesi
Classification: Likely pathogenic for Neurodevelopmental disorder with dysmorphic facies and ischiopubic hypoplasia. Review status: criteria provided, single submitter. Criteria: ACMG Guidelines, 2015. Collection method: research. Allele origin: germline. Inheritance: Autosomal recessive inheritance. Affected: no and yes. Observed: 5 variant alleles, 5 heterozygotes, 1 homozygote. Clinical features observed: Generalized hypotonia (HP:0001290), Neurodegeneration (HP:0002180), Global developmental delay (HP:0001263), Seizure (HP:0001250), Hypoplasia of the corpus callosum (HP:0002079), Refractory drug response (HP:0020174), Dysphagia (HP:0002015), Cerebral white matter atrophy (HP:0012762), Thin corpus callosum (HP:0033725), CNS hypomyelination (HP:0003429), Ventriculomegaly (HP:0002119), Cerebral cortical atrophy (HP:0002120), and 2 more.
Comment: Based on ACMG criteria, the NAE1:c.1441G>A (p.Glu481Lys) variant was classified as likely pathogenic: functional studies demonstrate a harmful impact on gene expression of NAE1 and related genes (UBA3 and APP) (PS3_supporting, +1), extremely low frequency (PM2, +1), homozygosis in the affected patient (PM3, +2), in silico predictions (PP3, +1), and patient phenotype specific for NEDFIH, a disease with unique genetic etiology (PP4, +1). Total score: 6 - likely pathogenic

Literature cited by the submitters: PubMed 32720330 (cited by Laboratorio De Medicina Genomica, Universidad Icesi).

NM_003905.4(NAE1):c.1441G>A (p.Glu481Lys)

Gene: NAE1 (NEDD8 activating enzyme E1 subunit 1; minus strand). Cytogenetic location: 16q22.1.
Variant type: single nucleotide variant.
Coding change: c.1441G>A on transcript NM_003905.4 (MANE Select); coding-DNA position 1441, G replaced by A.
Protein change: p.Glu481Lys; replaces glutamic acid 481 with lysine.
Molecular consequence: missense variant.
Genome position (GRCh38, 1-based): chr16:66,805,916, C>T on the plus strand (G>A on the coding strand, the complement: NAE1 is on the minus strand). VCF-style: chr16-66805916-C-T. GRCh37 (hg19) VCF-style: chr16-66839819-C-T.
Other names: p.Glu481Lys; c.1423G>A, p.Glu475Lys (NM_001018159.2); c.1174G>A, p.Glu392Lys (NM_001018160.2); c.1450G>A, p.Glu484Lys (NM_001286500.2); short protein forms E392K, E475K, E481K, E484K.
Identifiers: ClinVar variation 4072246 (VCV004072246.2).